The following is an entry in ClinVar:

ClinVar aggregate classification (germline): Uncertain significance (1 of 4 stars; one submission).

Conditions:
Nephronophthisis. Also called: Juvenile Nephronophthisis. Identifiers: Orphanet 655, MedGen C0687120, MONDO:0019005, HP:0000090.

Allele frequency attached by ClinVar (database versions not stated): gnomAD exomes below 0.00001.
gnomAD v4.1: 2 of 1,613,474 alleles (0.00012%); highest among the groups gnomAD compares: Non-Finnish European, 0.00017%; no homozygotes.

Submission:

Labcorp Genetics (formerly Invitae), Labcorp
Classification: Uncertain significance for Nephronophthisis. Last evaluated: 2023-09-01. Review status: criteria provided, single submitter. Criteria: Invitae Variant Classification Sherloc (09022015). Collection method: clinical testing. Allele origin: germline.
Comment: This sequence change replaces lysine, which is basic and polar, with asparagine, which is neutral and polar, at codon 1272 of the NPHP4 protein (p.Lys1272Asn). This variant also falls at the last nucleotide of exon 27, which is part of the consensus splice site for this exon. In summary, the available evidence is currently insufficient to determine the role of this variant in disease. Therefore, it has been classified as a Variant of Uncertain Significance. Variants that disrupt the consensus splice site are a relatively common cause of aberrant splicing (PMID: 17576681, 9536098). Algorithms developed to predict the effect of sequence changes on RNA splicing suggest that this variant may disrupt the consensus splice site. An algorithm developed to predict the effect of missense changes on protein structure and function (PolyPhen-2) suggests that this variant is likely to be disruptive. This variant has not been reported in the literature in individuals affected with NPHP4-related conditions. This variant is not present in population databases (gnomAD no frequency).

Literature cited by the submitters: PubMed 17576681; PubMed 9536098.

NM_015102.5(NPHP4):c.3816G>C (p.Lys1272Asn)

Gene: NPHP4 (nephrocystin 4; minus strand). Cytogenetic location: 1p36.31.
Variant type: single nucleotide variant.
Coding change: c.3816G>C on transcript NM_015102.5 (MANE Select); coding-DNA position 3816, G replaced by C.
Protein change: p.Lys1272Asn; replaces lysine 1272 with asparagine.
Molecular consequence: missense variant. On other transcripts: non-coding transcript variant (1).
Genome position (GRCh38, 1-based): chr1:5,865,102, C>G on the plus strand (G>C on the coding strand, the complement: NPHP4 is on the minus strand). VCF-style: chr1-5865102-C-G. GRCh37 (hg19) VCF-style: chr1-5925162-C-G.
Other names: c.2277G>C, p.Lys759Asn (NM_001291593.2); c.2280G>C, p.Lys760Asn (NM_001291594.2); short protein forms K1272N, K759N, K760N.
Identifiers: ClinVar variation 2799547 (VCV002799547.1), dbSNP rs2522691961, ClinGen allele CA338049928.